The following is an entry in ClinVar:

ClinVar aggregate classification (germline): Likely benign (1 of 4 stars; one submission).

Conditions:
PCNT-related disorder. Also called: PCNT-related condition.

Submission:

PreventionGenetics, part of Exact Sciences
Classification: Likely benign for PCNT-related condition. Last evaluated: 2024-10-25. Review status: criteria provided, single submitter. Criteria: ACMG Guidelines, 2015. Collection method: clinical testing. Allele origin: germline.
Comment: This variant is classified as likely benign based on ACMG/AMP sequence variant interpretation guidelines (Richards et al. 2015 PMID: 25741868, with internal and published modifications).

NM_006031.6(PCNT):c.3592C>T (p.Leu1198=)

Gene: PCNT (pericentrin; plus strand). Cytogenetic location: 21q22.3.
Variant type: single nucleotide variant.
Coding change: c.3592C>T on transcript NM_006031.6 (MANE Select); coding-DNA position 3592, C replaced by T.
Protein change: p.Leu1198=; no amino-acid change (leucine 1198 retained).
Molecular consequence: synonymous variant.
Genome position (GRCh38, 1-based): chr21:46,388,869, C>T. VCF-style: chr21-46388869-C-T. GRCh37 (hg19) VCF-style: chr21-47808784-C-T.
Other names: c.3238C>T, p.Leu1080= (NM_001315529.2).
Identifiers: ClinVar variation 5002254 (VCV005002254.1).